The following is an entry in ClinVar:

NM_001128178.3(NPHP1):c.1453A>G (p.Ile485Val)

Gene: NPHP1 (nephrocystin 1; minus strand). Cytogenetic location: 2q13.
Variant type: single nucleotide variant.
Coding change: c.1453A>G on transcript NM_001128178.3 (MANE Select); coding-DNA position 1453, A replaced by G.
Protein change: p.Ile485Val; replaces isoleucine 485 with valine.
Molecular consequence: missense variant.
Genome position (GRCh38, 1-based): chr2:110,143,618, T>C on the plus strand (A>G on the coding strand, the complement: NPHP1 is on the minus strand). VCF-style: chr2-110143618-T-C. GRCh37 (hg19) VCF-style: chr2-110901195-T-C.
Other names: c.1621A>G, p.Ile541Val (NM_000272.5); c.1264A>G, p.Ile422Val (NM_001128179.3); c.1450A>G, p.Ile484Val (NM_001374256.1); c.1453A>G, p.Ile485Val (NM_001374257.1); c.1618A>G, p.Ile540Val (NM_207181.4); short protein forms I485V, I540V, I422V, I541V, I484V.
Identifiers: ClinVar variation 4980056 (VCV004980056.1).

ClinVar aggregate classification (germline): Uncertain significance (1 of 4 stars; one submission).

Conditions:
NPHP1-related disorder. Also called: NPHP1-related condition; NPHP1-related disorders.

gnomAD v4.1: 3 of 1,613,432 alleles (0.00019%); highest among the groups gnomAD compares: Admixed American, 0.0017%; no homozygotes.

Submission:

PreventionGenetics, part of Exact Sciences
Classification: Uncertain significance for NPHP1-related condition. Last evaluated: 2026-01-23. Review status: criteria provided, single submitter. Criteria: ACMG Guidelines, 2015. Collection method: clinical testing. Allele origin: germline.
Comment: The NPHP1 c.1621A>G variant is predicted to result in the amino acid substitution p.Ile541Val. To our knowledge, this variant has not been reported in the literature. This variant is reported in 0.0029% of alleles in individuals of Latino descent in gnomAD. At this time, the clinical significance of this variant is uncertain due to the absence of conclusive functional and genetic evidence.